The following is an entry in ClinVar:

ClinVar aggregate classification (germline): Likely benign. Review status: criteria provided, single submitter (1 of 4 stars). 2 submissions from 2 submitters: Likely benign (1). 1 of the submissions does not count toward it. Last evaluated 2022-06-17.

Conditions:
Inborn genetic diseases. Identifiers: MedGen C0950123, MeSH D030342.
WDFY3-related disorder.

Allele frequency attached by ClinVar (database versions not stated): ExAC 0.00008; ESP Exome Variant Server 0.00008; gnomAD 0.00010.
gnomAD v4.1: 123 of 1,613,196 alleles (0.0076%); highest among the groups gnomAD compares: Non-Finnish European, 0.0023%; no homozygotes.

Submissions (2):

Ambry Genetics
Classification: Likely benign for Inborn genetic diseases. Last evaluated: 2022-06-17. Review status: criteria provided, single submitter. Criteria: Ambry Variant Classification Scheme 2023. Collection method: clinical testing. Allele origin: germline.

PreventionGenetics, part of Exact Sciences
Classification: Likely benign for WDFY3-related condition. Last evaluated: 2019-12-05. Review status: no assertion criteria provided. Collection method: clinical testing. Allele origin: germline. Not counted in ClinVar's aggregate classification.
Comment: This variant is classified as likely benign based on ACMG/AMP sequence variant interpretation guidelines (Richards et al. 2015 PMID: 25741868, with internal and published modifications).

NM_014991.6(WDFY3):c.5519T>C (p.Val1840Ala)

Gene: WDFY3 (WD repeat and FYVE domain containing 3; minus strand). Cytogenetic location: 4q21.23.
Variant type: single nucleotide variant.
Coding change: c.5519T>C on transcript NM_014991.6 (MANE Select); coding-DNA position 5519, T replaced by C.
Protein change: p.Val1840Ala; replaces valine 1840 with alanine.
Molecular consequence: missense variant.
Genome position (GRCh38, 1-based): chr4:84,755,306, A>G on the plus strand (T>C on the coding strand, the complement: WDFY3 is on the minus strand). VCF-style: chr4-84755306-A-G. GRCh37 (hg19) VCF-style: chr4-85676459-A-G.
Other names: short protein forms V1840A.
Identifiers: ClinVar variation 2370220 (VCV002370220.4), dbSNP rs376706945, ClinGen allele CA2993041.